The following is an entry in ClinVar:

ClinVar aggregate classification (germline): Benign (0 of 4 stars; one submission).

Conditions:
SLC28A1-related disorder. Also called: SLC28A1-related condition.

Allele frequency attached by ClinVar (database versions not stated): ESP Exome Variant Server 0.38227; gnomAD exomes 0.41162; gnomAD 0.41624; TOPMed 0.42225; ExAC 0.46679; 1000 Genomes Project 30x 0.55996; 1000 Genomes Project 0.56829.
gnomAD v4.1: 665,454 of 1,613,326 alleles (41%); highest among the groups gnomAD compares: East Asian, 89%; 148,014 homozygotes.

Submission:

PreventionGenetics, part of Exact Sciences
Classification: Benign for SLC28A1-related condition. Last evaluated: 2019-10-30. Review status: no assertion criteria provided. Collection method: clinical testing. Allele origin: germline.
Comment: This variant is classified as benign based on ACMG/AMP sequence variant interpretation guidelines (Richards et al. 2015 PMID: 25741868, with internal and published modifications).

NM_004213.5(SLC28A1):c.1149G>A (p.Lys383=)

Gene: SLC28A1 (solute carrier family 28 member 1; plus strand). Cytogenetic location: 15q25.3.
Variant type: single nucleotide variant.
Coding change: c.1149G>A on transcript NM_004213.5 (MANE Select); coding-DNA position 1149, G replaced by A.
Protein change: p.Lys383=; no amino-acid change (lysine 383 retained).
Molecular consequence: synonymous variant. On other transcripts: intron variant (1).
Genome position (GRCh38, 1-based): chr15:84,933,210, G>A. VCF-style: chr15-84933210-G-A. GRCh37 (hg19) VCF-style: chr15-85476441-G-A.
Other names: c.1149G>A, p.Lys383= (NM_001287762.2, NM_001321721.2, NM_001321722.2); c.1083+9100G>A (NM_001287761.2).
Identifiers: ClinVar variation 3059875 (VCV003059875.2), dbSNP rs2305367, ClinGen allele CA7710718.